The following is an entry in ClinVar:

NM_024675.4(PALB2):c.832C>T (p.Leu278=)

Gene: PALB2 (partner and localizer of BRCA2; minus strand). Cytogenetic location: 16p12.2.
Variant type: single nucleotide variant.
Coding change: c.832C>T on transcript NM_024675.4 (MANE Select); coding-DNA position 832, C replaced by T.
Protein change: p.Leu278=; no amino-acid change (leucine 278 retained).
Molecular consequence: synonymous variant.
Genome position (GRCh38, 1-based): chr16:23,635,714, G>A on the plus strand (C>T on the coding strand, the complement: PALB2 is on the minus strand). VCF-style: chr16-23635714-G-A. GRCh37 (hg19) VCF-style: chr16-23647035-G-A.
Identifiers: ClinVar variation 386503 (VCV000386503.14), dbSNP rs515726128, ClinGen allele CA16608126.

ClinVar aggregate classification (germline): Benign/Likely benign. Review status: criteria provided, multiple submitters, no conflicts (2 of 4 stars). 4 submissions from 4 submitters: Benign (1); Likely benign (3). Last evaluated 2025-01-10.

Conditions:
Familial cancer of breast. Also called: hereditary breast carcinoma; Hereditary breast cancer; BREAST CANCER, FAMILIAL. Identifiers: Orphanet 227535, MedGen C0346153, MONDO:0016419, OMIM 114480. Disease mechanism: loss of function.
Hereditary cancer-predisposing syndrome. Also called: Hereditary Cancer Syndrome; Hereditary neoplastic syndrome; Neoplastic Syndromes, Hereditary; Tumor predisposition. Identifiers: Orphanet 140162, MedGen C0027672, MeSH D009386, MONDO:0015356.

Allele frequency attached by ClinVar (database versions not stated): gnomAD exomes below 0.00001.
gnomAD v4.1: 1 of 1,614,044 alleles (0.000062%); highest among the groups gnomAD compares: African/African-American, 0.0013%; no homozygotes.

Submissions (4):

Myriad Genetics, Inc.
Classification: Benign for Familial cancer of breast. Last evaluated: 2025-01-10. Review status: criteria provided, single submitter. Criteria: Myriad Autosomal Dominant, Autosomal Recessive and X-Linked Classification Criteria (2023). Collection method: clinical testing. Allele origin: unknown.
Comment: This variant is considered benign. This variant is a silent/synonymous amino acid change and it is not expected to impact splicing.

Labcorp Genetics (formerly Invitae), Labcorp
Classification: Likely benign for Familial cancer of breast. Last evaluated: 2024-09-06. Review status: criteria provided, single submitter. Criteria: Invitae Variant Classification Sherloc (09022015). Collection method: clinical testing. Allele origin: germline.

Ambry Genetics
Classification: Likely benign for Hereditary cancer-predisposing syndrome. Last evaluated: 2022-05-16. Review status: criteria provided, single submitter. Criteria: Ambry Variant Classification Scheme 2023. Collection method: clinical testing. Allele origin: germline.

GeneDx
Classification: Likely benign. Last evaluated: 2016-05-23. Review status: criteria provided, single submitter. Criteria: GeneDx Variant Classification (06012015). Collection method: clinical testing. Allele origin: germline. Affected: yes.
Comment: This variant is considered likely benign or benign based on one or more of the following criteria: it is a conservative change, it occurs at a poorly conserved position in the protein, it is predicted to be benign by multiple in silico algorithms, and/or has population frequency not consistent with disease.